The following is an entry in ClinVar:

NM_001127222.2(CACNA1A):c.2134G>T (p.Ala712Ser)

Gene: CACNA1A (calcium voltage-gated channel subunit alpha1 A; minus strand). Cytogenetic location: 19p13.13.
Variant type: single nucleotide variant.
Coding change: c.2134G>T on transcript NM_001127222.2 (MANE Select); coding-DNA position 2134, G replaced by T.
Protein change: p.Ala712Ser; replaces alanine 712 with serine.
Molecular consequence: missense variant.
Genome position (GRCh38, 1-based): chr19:13,303,584, C>A on the plus strand (G>T on the coding strand, the complement: CACNA1A is on the minus strand). VCF-style: chr19-13303584-C-A. GRCh37 (hg19) VCF-style: chr19-13414398-C-A.
Other names: c.2137G>T, p.Ala713Ser (NM_000068.4, NM_001127221.2, NM_001174080.2 and 1 more transcripts); short protein forms A712S, A713S.
Identifiers: ClinVar variation 997449 (VCV000997449.2), dbSNP rs886037945, ClinGen allele CA404344178.
Genomic context (GRCh38, chr19:13,303,584, plus strand): 5'-AACATTCTCCCACCGCCTCCACCTTGGTGAGCTCCTGGGCGTTGGCCAGATTGTCCACAG[C>A]GATGGCCAAGAACACATTCAGGAGGGTGTCTGCAAATGTCTGAGTCAGGAAAAGCAACCA-3'
Protein context (NP_001120694.1, residues 702-722): YTLLNVFLAI[Ala712Ser]VDNLANAQEL

ClinVar aggregate classification (germline): Pathogenic (0 of 4 stars; one submission).

Conditions:
Developmental and epileptic encephalopathy, 42 (DEE42A). Also called: Epileptic encephalopathy, early infantile, 42; DEVELOPMENTAL AND EPILEPTIC ENCEPHALOPATHY 42A; EPILEPTIC ENCEPHALOPATHY, EARLY INFANTILE, 42A. Identifiers: MedGen C4310716, MONDO:0014917, OMIM 617106.

Submission:

Cytoplasmic Inheritance Laboratory, Institute of Genetics and Cytology
Classification: Pathogenic for Developmental and epileptic encephalopathy, 42. Last evaluated: 2020-10-13. Review status: no assertion criteria provided. Collection method: clinical testing. Allele origin: de novo. Affected: yes. Observed: 1 variant allele.
Comment: We consider the variant NM_001127221.2:c.2137G>T as disease-causing; it results in an amino acid substitution.

The variant is absent in publicly available population databases (gnomAD, 1000Genomes).